The following is an entry in ClinVar:

ClinVar aggregate classification (germline): Likely benign. Review status: criteria provided, single submitter (1 of 4 stars). 2 submissions from 2 submitters: Likely benign (1). 1 of the submissions does not count toward it. Last evaluated 2022-08-31.

Conditions:
Luscan-Lumish syndrome. Identifiers: Orphanet 597738, MedGen C4085873, MONDO:0014791, OMIM 616831.

gnomAD v4.1: 2 of 1,613,066 alleles (0.00012%); highest among the groups gnomAD compares: South Asian, 0.0022%; no homozygotes.

Submissions (2):

Labcorp Genetics (formerly Invitae), Labcorp
Classification: Likely benign for Luscan-Lumish syndrome. Last evaluated: 2022-08-31. Review status: criteria provided, single submitter. Criteria: Invitae Variant Classification Sherloc (09022015). Collection method: clinical testing. Allele origin: germline.

ITMI
No classification provided. Condition: AllHighlyPenetrant. Last evaluated: 2013-09-19. Review status: no classification provided. Collection method: reference population. Allele origin: germline. Not counted in ClinVar's aggregate classification.
Comment: Please see associated publication for description of ethnicities

Literature cited by the submitters: PubMed 24728327 (cited by ITMI).

NM_014159.7(SETD2):c.5369G>C (p.Arg1790Pro)

Gene: SETD2 (SET domain containing 2, histone lysine methyltransferase; minus strand). Cytogenetic location: 3p21.31.
Variant type: single nucleotide variant.
Coding change: c.5369G>C on transcript NM_014159.7 (MANE Select); coding-DNA position 5369, G replaced by C.
Protein change: p.Arg1790Pro; replaces arginine 1790 with proline.
Molecular consequence: missense variant. On other transcripts: non-coding transcript variant (1).
Genome position (GRCh38, 1-based): chr3:47,086,223, C>G on the plus strand (G>C on the coding strand, the complement: SETD2 is on the minus strand). VCF-style: chr3-47086223-C-G. GRCh37 (hg19) VCF-style: chr3-47127713-C-G.
Other names: c.5237G>C, p.Arg1746Pro (NM_001349370.3); short protein forms R1790P, R1746P.
Identifiers: ClinVar variation 135200 (VCV000135200.11), dbSNP rs376246790, ClinGen allele CA161993.